The following is an entry in ClinVar:

ClinVar aggregate classification (germline): Uncertain significance. Review status: criteria provided, multiple submitters, no conflicts (2 of 4 stars). 2 submissions from 2 submitters: Uncertain significance (2). Last evaluated 2025-12-16.

Submissions (2):

Ambry Genetics
Classification: Uncertain significance. Last evaluated: 2025-12-16. Review status: criteria provided, single submitter. Criteria: Ambry Variant Classification Scheme 2023. Collection method: clinical testing. Allele origin: germline.

Labcorp Genetics (formerly Invitae), Labcorp
Classification: Uncertain significance. Last evaluated: 2022-08-15. Review status: criteria provided, single submitter. Criteria: Invitae Variant Classification Sherloc (09022015). Collection method: clinical testing. Allele origin: germline.
Comment: This sequence change replaces proline, which is neutral and non-polar, with arginine, which is basic and polar, at codon 521 of the VPS33A protein (p.Pro521Arg). This variant is present in population databases (no rsID available, gnomAD 0.007%). This variant has not been reported in the literature in individuals affected with VPS33A-related conditions. ClinVar contains an entry for this variant (Variation ID: 1505182). Algorithms developed to predict the effect of missense changes on protein structure and function (SIFT, PolyPhen-2, Align-GVGD) all suggest that this variant is likely to be disruptive. In summary, the available evidence is currently insufficient to determine the role of this variant in disease. Therefore, it has been classified as a Variant of Uncertain Significance.

NM_022916.6(VPS33A):c.1562C>G (p.Pro521Arg)

Gene: VPS33A (VPS33A core subunit of CORVET and HOPS complexes; minus strand). Cytogenetic location: 12q24.31.
Variant type: single nucleotide variant.
Coding change: c.1562C>G on transcript NM_022916.6 (MANE Select); coding-DNA position 1562, C replaced by G.
Protein change: p.Pro521Arg; replaces proline 521 with arginine.
Molecular consequence: missense variant.
Genome position (GRCh38, 1-based): chr12:122,232,847, G>C on the plus strand (C>G on the coding strand, the complement: VPS33A is on the minus strand). VCF-style: chr12-122232847-G-C. GRCh37 (hg19) VCF-style: chr12-122717394-G-C.
Other names: c.1529C>G, p.Pro510Arg (NM_001351018.2); c.1514C>G, p.Pro505Arg (NM_001351019.2); c.1241C>G, p.Pro414Arg (NM_001351020.2); c.1562C>G (NM_022916.4); short protein forms P510R, P414R, P505R, P521R.
Identifiers: ClinVar variation 1505182 (VCV001505182.7), dbSNP rs751768352, ClinGen allele CA387049261.